The following is an entry in ClinVar:

NM_020436.5(SALL4):c.164T>C (p.Val55Ala)

Gene: SALL4 (spalt like transcription factor 4; minus strand). Cytogenetic location: 20q13.2.
Variant type: single nucleotide variant.
Coding change: c.164T>C on transcript NM_020436.5 (MANE Select); coding-DNA position 164, T replaced by C.
Protein change: p.Val55Ala; replaces valine 55 with alanine.
Molecular consequence: missense variant.
Genome position (GRCh38, 1-based): chr20:51,792,319, A>G on the plus strand (T>C on the coding strand, the complement: SALL4 is on the minus strand). VCF-style: chr20-51792319-A-G. GRCh37 (hg19) VCF-style: chr20-50408858-A-G.
Other names: c.164T>C, p.Val55Ala (NM_001318031.2); short protein forms V55A.
Identifiers: ClinVar variation 4712981 (VCV004712981.1).
Genomic context (GRCh38, chr20:51,792,319, plus strand): 5'-TCACAGACGTGCGTCTCCTCCCGACGAAGCCGCTTTACTGTGGCTTCATCCTCACTCGCC[A>G]CCTCGTCATTCCCTGGGTGGTTCACTGGAGCACCTGTAACAAGACAGAAAAAGCTAAGGA-3'
Protein context (NP_065169.1, residues 45-65): APVNHPGNDE[Val55Ala]ASEDEATVKR

ClinVar aggregate classification (germline): Uncertain significance (1 of 4 stars; one submission).

Conditions:
Duane-radial ray syndrome (DRRS). Also called: ACRORENOOCULAR SYNDROME; DR SYNDROME; DUANE ANOMALY WITH RADIAL RAY ABNORMALITIES AND DEAFNESS; Okihiro Syndrome; Duane-Radial Ray Syndrome/Okihiro Syndrome; Duane-Radial Ray Syndrome (DRRS) / Okihiro Syndrome. Identifiers: Orphanet 93293, Orphanet 959, MedGen C1623209, MONDO:0011812, OMIM 607323. Disease mechanism: gain of function.

gnomAD v4.1: 1 of 1,606,142 alleles (0.000062%); highest among the groups gnomAD compares: Non-Finnish European, 0.000085%; no homozygotes.

Submission:

Labcorp Genetics (formerly Invitae), Labcorp
Classification: Uncertain significance for Duane-radial ray syndrome. Last evaluated: 2025-06-22. Review status: criteria provided, single submitter. Criteria: Invitae Variant Classification Sherloc (09022015). Collection method: clinical testing. Allele origin: germline.
Comment: This sequence change replaces valine, which is neutral and non-polar, with alanine, which is neutral and non-polar, at codon 55 of the SALL4 protein (p.Val55Ala). This variant is not present in population databases (gnomAD no frequency). This variant has not been reported in the literature in individuals affected with SALL4-related conditions. An algorithm developed to predict the effect of missense changes on protein structure and function (PolyPhen-2) suggests that this variant is likely to be tolerated. In summary, the available evidence is currently insufficient to determine the role of this variant in disease. Therefore, it has been classified as a Variant of Uncertain Significance.